The following is an entry in ClinVar:

ClinVar aggregate classification (germline): Uncertain significance. Review status: criteria provided, multiple submitters, no conflicts (2 of 4 stars). 3 submissions from 3 submitters: Uncertain significance (3). Last evaluated 2025-07-14.

Conditions:
Inborn genetic diseases. Identifiers: MedGen C0950123, MeSH D030342.
Oculocerebrofacial syndrome, Kaufman type. Also called: Blepharophimosis-ptosis-intellectual disability syndrome. Identifiers: Orphanet 2707, MedGen C1855663, MONDO:0009485, OMIM 244450.

Allele frequency attached by ClinVar (database versions not stated): TOPMed 0.00004; ESP Exome Variant Server 0.00008.
gnomAD v4.1: 9 of 1,613,990 alleles (0.00056%); highest among the groups gnomAD compares: East Asian, 0.0022%; no homozygotes.

Submissions (3):

Labcorp Genetics (formerly Invitae), Labcorp
Classification: Uncertain significance. Last evaluated: 2025-07-14. Review status: criteria provided, single submitter. Criteria: Invitae Variant Classification Sherloc (09022015). Collection method: clinical testing. Allele origin: germline.
Comment: This sequence change replaces tryptophan, which is neutral and slightly polar, with leucine, which is neutral and non-polar, at codon 389 of the UBE3B protein (p.Trp389Leu). This variant is present in population databases (rs368887776, gnomAD 0.002%). This variant has not been reported in the literature in individuals affected with UBE3B-related conditions. ClinVar contains an entry for this variant (Variation ID: 932114). Invitae Evidence Modeling of protein sequence and biophysical properties (such as structural, functional, and spatial information, amino acid conservation, physicochemical variation, residue mobility, and thermodynamic stability) indicates that this missense variant is expected to disrupt UBE3B protein function with a positive predictive value of 80%. In summary, the available evidence is currently insufficient to determine the role of this variant in disease. Therefore, it has been classified as a Variant of Uncertain Significance.

Ambry Genetics
Classification: Uncertain significance for Inborn genetic diseases. Last evaluated: 2024-12-21. Review status: criteria provided, single submitter. Criteria: Ambry Variant Classification Scheme 2023. Collection method: clinical testing. Allele origin: germline.

Centre for Mendelian Genomics, University Medical Centre Ljubljana
Classification: Uncertain significance for Oculocerebrofacial syndrome, Kaufman type. Last evaluated: 2019-08-14. Review status: criteria provided, single submitter. Criteria: ACMG Guidelines, 2015. Collection method: clinical testing. Allele origin: unknown. Affected: yes.
Comment: This variant was classified as: Uncertain significance. The following ACMG criteria were applied in classifying this variant: PP3.

NM_130466.4(UBE3B):c.1166G>T (p.Trp389Leu)

Gene: UBE3B (ubiquitin protein ligase E3B; plus strand). Cytogenetic location: 12q24.11.
Variant type: single nucleotide variant.
Coding change: c.1166G>T on transcript NM_130466.4 (MANE Select); coding-DNA position 1166, G replaced by T.
Protein change: p.Trp389Leu; replaces tryptophan 389 with leucine.
Molecular consequence: missense variant.
Genome position (GRCh38, 1-based): chr12:109,501,418, G>T. VCF-style: chr12-109501418-G-T. GRCh37 (hg19) VCF-style: chr12-109939223-G-T.
Other names: c.1166G>T (NM_130466.2); c.1166G>T, p.Trp389Leu (NM_183415.3); short protein forms W389L.
Identifiers: ClinVar variation 932114 (VCV000932114.5), dbSNP rs368887776, ClinGen allele CA6777823.
Genomic context (GRCh38, chr12:109,501,418, plus strand): 5'-TGCTCTCTCCTAGCCTTAACGAGTCAATGCACTTGATCACCAAACAGCTGCAGTTCTTGT[G>T]GGGGGTGCCTCTGATCCGGATCTTCTTCTGTGACATCCTGAGCAAGAAGCTACTGGAGAG-3'
Protein context (NP_569733.2, residues 379-399): HLITKQLQFL[Trp389Leu]GVPLIRIFFC